The following is an entry in ClinVar:

NM_015909.4(NBAS):c.4295T>C (p.Val1432Ala)

Gene: NBAS (NBAS subunit of NRZ tethering complex; minus strand). Cytogenetic location: 2p24.3.
Variant type: single nucleotide variant.
Coding change: c.4295T>C on transcript NM_015909.4 (MANE Select); coding-DNA position 4295, T replaced by C.
Protein change: p.Val1432Ala; replaces valine 1432 with alanine.
Molecular consequence: missense variant. On other transcripts: non-coding transcript variant (1).
Genome position (GRCh38, 1-based): chr2:15,330,650, A>G on the plus strand (T>C on the coding strand, the complement: NBAS is on the minus strand). VCF-style: chr2-15330650-A-G. GRCh37 (hg19) VCF-style: chr2-15470774-A-G.
Other names: short protein forms V1432A.
Identifiers: ClinVar variation 808667 (VCV000808667.46), dbSNP rs769425183, ClinGen allele CA1535711.
Genomic context (GRCh38, chr2:15,330,650, plus strand): 5'-CTGCTTACCTGAAGGGGTCGAAGGTAAGTTAAAGACTTCTTCCACCACTGCCCATCACTG[A>G]CGGCCTGCAGCACCGCTTTGGTGGTGGTTGTGGTGTTGGAAAGGACTTTCATGGTGGTAG-3'
Protein context (NP_056993.2, residues 1422-1442): TTTTKAVLQA[Val1432Ala]SDGQWWKKSL

ClinVar aggregate classification (germline): Uncertain significance. Review status: criteria provided, multiple submitters, no conflicts (2 of 4 stars). 4 submissions from 4 submitters: Uncertain significance (4). Last evaluated 2024-06-14.

Conditions:
Short stature-optic atrophy-Pelger-Huët anomaly syndrome. Also called: Short stature, optic nerve atrophy, and Pelger-Huet anomaly; Short stature-optic atrophy-Pelger-HuC+t anomaly syndrome. Identifiers: Orphanet 391677, MedGen C3541319, MONDO:0013889, OMIM 614800.
Infantile liver failure syndrome 2 (ILFS2). Identifiers: MedGen C3809651, MONDO:0014659, OMIM 616483.

Allele frequency attached by ClinVar (database versions not stated): gnomAD exomes below 0.00001 and 0.00001; ExAC 0.00001; gnomAD 0.00001; TOPMed 0.00003.
gnomAD v4.1: 25 of 1,613,904 alleles (0.0015%); highest among the groups gnomAD compares: African/African-American, 0.0027%; no homozygotes.

Submissions (4):

Blueprint Genetics
Classification: Uncertain significance. Last evaluated: 2024-06-14. Review status: criteria provided, single submitter. Criteria: ACMG Guidelines, 2015. Collection method: clinical testing. Allele origin: germline.

Labcorp Genetics (formerly Invitae), Labcorp
Classification: Uncertain significance. Last evaluated: 2022-07-26. Review status: criteria provided, single submitter. Criteria: Invitae Variant Classification Sherloc (09022015). Collection method: clinical testing. Allele origin: germline.
Comment: This sequence change replaces valine, which is neutral and non-polar, with alanine, which is neutral and non-polar, at codon 1432 of the NBAS protein (p.Val1432Ala). This variant is present in population databases (rs769425183, gnomAD 0.002%). This variant has not been reported in the literature in individuals affected with NBAS-related conditions. ClinVar contains an entry for this variant (Variation ID: 808667). Algorithms developed to predict the effect of missense changes on protein structure and function (SIFT, PolyPhen-2, Align-GVGD) all suggest that this variant is likely to be disruptive. In summary, the available evidence is currently insufficient to determine the role of this variant in disease. Therefore, it has been classified as a Variant of Uncertain Significance.

Fulgent Genetics
Classification: Uncertain significance for Short stature-optic atrophy-Pelger-Huët anomaly syndrome; Infantile liver failure syndrome 2. Last evaluated: 2022-04-20. Review status: criteria provided, single submitter. Criteria: ACMG Guidelines, 2015. Collection method: clinical testing. Allele origin: unknown.

CeGaT Center for Human Genetics Tuebingen
Classification: Uncertain significance. Last evaluated: 2018-09-01. Review status: criteria provided, single submitter. Criteria: CeGaT Center For Human Genetics Tuebingen Variant Classification Criteria Version 2. Collection method: clinical testing. Allele origin: germline. Affected: yes. Observed: 1 variant allele.